The following is an entry in ClinVar:

ClinVar aggregate classification (germline): Pathogenic (1 of 4 stars; one submission).

Conditions:
Leigh syndrome (NULS). Also called: LEIGH SYNDROME, NUCLEAR; Leigh Syndrome (mtDNA deletion); Leigh's necrotizing encephalopathy; Leigh's disease; Leigh's syndrome; Leigh Disease. Identifiers: Orphanet 506, MedGen C2931891, MONDO:0009723, OMIM 256000.

Submission:

Labcorp Genetics (formerly Invitae), Labcorp
Classification: Pathogenic for Leigh syndrome. Last evaluated: 2023-07-17. Review status: criteria provided, single submitter. Criteria: Invitae Variant Classification Sherloc (09022015). Collection method: clinical testing. Allele origin: germline.
Comment: This variant is not present in population databases (gnomAD no frequency). This sequence change creates a premature translational stop signal (p.Gln8Argfs*70) in the SURF1 gene. It is expected to result in an absent or disrupted protein product. Loss-of-function variants in SURF1 are known to be pathogenic (PMID: 10443880, 22488715, 24027061). This variant has not been reported in the literature in individuals affected with SURF1-related conditions. For these reasons, this variant has been classified as Pathogenic.

Literature cited by the submitters: PubMed 10443880; PubMed 22488715; PubMed 24027061.

NM_003172.4(SURF1):c.6_22dup (p.Gln8fs)

Gene: SURF1 (SURF1 cytochrome c oxidase assembly factor; minus strand). Cytogenetic location: 9q34.2.
Variant type: Duplication.
Coding change: c.6_22dup on transcript NM_003172.4 (MANE Select); coding-DNA positions 6 to 22, 17 bases duplicated (GGCGGTGGCTGCGTTGC).
Protein change: p.Gln8fs; shifts the reading frame from glutamine 8.
Molecular consequence: frameshift variant. On other transcripts: 5 prime UTR variant (1).
Genome position (GRCh38, 1-based): chr9:133,356,432-133,356,448, GCAACGCAGCCACCGCC duplicated on the plus strand (GGCGGTGGCTGCGTTGC on the coding strand, the reverse complement: SURF1 is on the minus strand); duplicating any 17 consecutive bases within chr9:133,356,432-133,356,450 gives the same sequence; the c. name uses the placement nearest the transcript's 3' end. VCF-style (leftmost placement, unchanged base first): chr9-133356431-T-TGCAACGCAGCCACCGCC. GRCh37 (hg19) VCF-style: chr9-136223307-T-TGCAACGCAGCCACCGCC.
Other names: c.-270_-254dup (NM_001280787.1); short protein forms Q8fs.
Identifiers: ClinVar variation 2878829 (VCV002878829.3), dbSNP rs1196972648, ClinGen allele CA860712650.
Genomic context (GRCh38, chr9:133,356,431, plus strand): 5'-GCACCCCGCACCCCGCACCCGGCGCTCACCCGTCCCAGCCCCGCCGCCCGCAGCCCCAGC[T>TGCAACGCAGCCACCGCC]GCAACGCAGCCACCGCCGCCATCGCACCCGGCCCCGCGGGCGCTTCCGGGACGCAGGAAG-3'